The following is an entry in ClinVar:

NM_015346.4(ZFYVE26):c.6331G>T (p.Glu2111Ter)

Gene: ZFYVE26 (zinc finger FYVE-type containing 26; minus strand). Cytogenetic location: 14q24.1.
Variant type: single nucleotide variant.
Coding change: c.6331G>T on transcript NM_015346.4 (MANE Select); coding-DNA position 6331, G replaced by T.
Protein change: p.Glu2111Ter; replaces glutamic acid 2111 with a stop codon.
Molecular consequence: nonsense.
Genome position (GRCh38, 1-based): chr14:67,762,241, C>A on the plus strand (G>T on the coding strand, the complement: ZFYVE26 is on the minus strand). VCF-style: chr14-67762241-C-A. GRCh37 (hg19) VCF-style: chr14-68228958-C-A.
Other names: short protein forms E2111*.
Identifiers: ClinVar variation 1725252 (VCV001725252.2), dbSNP rs2503966833, ClinGen allele CA390163765.

ClinVar aggregate classification (germline): Likely pathogenic (1 of 4 stars; one submission).

Conditions:
Hereditary spastic paraplegia 15 (SPG15). Also called: SPASTIC PARAPLEGIA 15, AUTOSOMAL RECESSIVE; KJELLIN SYNDROME; SPASTIC PARAPLEGIA AND RETINAL DEGENERATION. Identifiers: Orphanet 100996, MedGen C1849128, MONDO:0010044, OMIM 270700.

Submission:

Myriad Genetics, Inc.
Classification: Likely pathogenic for Hereditary spastic paraplegia 15. Last evaluated: 2022-03-15. Review status: criteria provided, single submitter. Criteria: Myriad Women's Health Autosomal Recessive and X-Linked Classification Criteria (2021). Collection method: clinical testing. Allele origin: unknown.
Comment: NM_015346.3(ZFYVE26):c.6331G>T(E2111*) is expected to be pathogenic in the context of spastic paraplegia type 15. This variant is predicted to lead to an abnormal or absent protein product due to the creation of a premature termination codon in ZFYVE26, a gene where loss-of-function variants are known to be pathogenic. Please note: this variant was assessed in the context of healthy population screening.